The following is an entry in ClinVar:

NM_001267550.2(TTN):c.71058G>A (p.Ala23686=)

Genes: TTN (titin; minus strand), TTN-AS1 (TTN antisense RNA 1; plus strand). Cytogenetic location: 2q31.2.
Variant type: single nucleotide variant.
Coding change: c.71058G>A on transcript NM_001267550.2 (MANE Select); coding-DNA position 71058, G replaced by A.
Protein change: p.Ala23686=; no amino-acid change (alanine 23686 retained).
Molecular consequence: synonymous variant.
Genome position (GRCh38, 1-based): chr2:178,575,074, C>T on the plus strand (G>A on the coding strand, the complement: TTN is on the minus strand). VCF-style: chr2-178575074-C-T. GRCh37 (hg19) VCF-style: chr2-179439801-C-T.
Other names: c.66135G>A, p.Ala22045= (NM_001256850.1); c.43863G>A, p.Ala14621= (NM_003319.4); c.63354G>A, p.Ala21118= (NM_133378.4); c.44238G>A, p.Ala14746= (NM_133432.3); c.44439G>A, p.Ala14813= (NM_133437.4).
Identifiers: ClinVar variation 332791 (VCV000332791.55), dbSNP rs375183437, ClinGen allele CA1990684.

ClinVar aggregate classification (germline): Conflicting classifications of pathogenicity. Review status: criteria provided, conflicting classifications (1 of 4 stars). 11 submissions from 7 submitters: Uncertain significance (3); Benign (2); Likely benign (6). Last evaluated 2026-01-14.

Conditions:
Early-onset myopathy with fatal cardiomyopathy (CMYO5). Also called: CONGENITAL MYOPATHY 5 WITH CARDIOMYOPATHY; Salih Myopathy. Identifiers: Orphanet 289377, MedGen C2673677, MONDO:0012714, OMIM 611705. Disease mechanism: loss of function.
Cardiomyopathy (CMYO). Also called: Cardiomyopathies. Identifiers: Orphanet 167848, MedGen C0878544, MONDO:0004994, HP:0001638. Inheritance: Various modes of inheritance.
Cardiovascular phenotype. Identifiers: MedGen CN230736.
Dilated cardiomyopathy 1G (CMD1G). Identifiers: Orphanet 154, MedGen C1858763, MONDO:0011400, OMIM 604145.
Autosomal recessive limb-girdle muscular dystrophy type 2J (LGMDR10). Also called: MUSCULAR DYSTROPHY, LIMB-GIRDLE, AUTOSOMAL RECESSIVE 10; Limb-girdle muscular dystrophy, type 2J. Identifiers: Orphanet 140922, MedGen C1837342, MONDO:0012127, OMIM 608807.
Myopathy, myofibrillar, 9, with early respiratory failure (MFM9). Also called: Myopathy, distal, with early respiratory failure, autosomal dominant; EDSTROM MYOPATHY; Hereditary myopathy with early respiratory failure; MYOPATHY, PROXIMAL, WITH EARLY RESPIRATORY MUSCLE INVOLVEMENT. Identifiers: Orphanet 178464, Orphanet 34521, MedGen C1863599, MONDO:0011362, OMIM 603689.
Tibial muscular dystrophy (TMD). Also called: Udd Distal Myopathy – Tibial Muscular Dystrophy; UDD MYOPATHY; Tibial muscular dystrophy, tardive. Identifiers: Orphanet 609, MedGen C1838244, MONDO:0010870, OMIM 600334.
TTN-related disorder. Also called: TTN-related condition; TTN-related disease; TTN-related disorders.

Allele frequency attached by ClinVar (database versions not stated): ExAC 0.00003; TOPMed 0.00004; gnomAD 0.00005; gnomAD exomes 0.00005 and 0.00008; ESP Exome Variant Server 0.00008.
gnomAD v4.1: 134 of 1,613,264 alleles (0.0083%); highest among the groups gnomAD compares: Non-Finnish European, 0.0097%; no homozygotes.

Submissions (11):

Labcorp Genetics (formerly Invitae), Labcorp
Classification: Likely benign for Dilated cardiomyopathy 1G; Autosomal recessive limb-girdle muscular dystrophy type 2J. Last evaluated: 2026-01-14. Review status: criteria provided, single submitter. Criteria: Invitae Variant Classification Sherloc (09022015). Collection method: clinical testing. Allele origin: germline.

PreventionGenetics, part of Exact Sciences
Classification: Likely benign for TTN-related condition. Last evaluated: 2024-12-05. Review status: criteria provided, single submitter. Criteria: ACMG Guidelines, 2015. Collection method: clinical testing. Allele origin: germline.
Comment: This variant is classified as likely benign based on ACMG/AMP sequence variant interpretation guidelines (Richards et al. 2015 PMID: 25741868, with internal and published modifications).

CeGaT Center for Human Genetics Tuebingen
Classification: Likely benign. Last evaluated: 2020-07-01. Review status: criteria provided, single submitter. Criteria: CeGaT Center For Human Genetics Tuebingen Variant Classification Criteria Version 2. Collection method: clinical testing. Allele origin: germline. Affected: yes. Observed: 1 variant allele.

Ambry Genetics
Classification: Likely benign for Cardiovascular phenotype. Last evaluated: 2019-09-05. Review status: criteria provided, single submitter. Criteria: Ambry Variant Classification Scheme 2023. Collection method: clinical testing. Allele origin: germline.

Illumina Laboratory Services, Illumina
Classification: Benign for Tibial muscular dystrophy. Last evaluated: 2018-01-13. Review status: criteria provided, single submitter. Criteria: ICSL Variant Classification Criteria 13 December 2019. Collection method: clinical testing. Allele origin: germline.
Comment: This variant was observed in the ICSL laboratory as part of a predisposition screen in an ostensibly healthy population. It had not been previously curated by ICSL or reported in the Human Gene Mutation Database (HGMD: prior to June 1st, 2018), and was therefore a candidate for classification through an automated scoring system. Utilizing variant allele frequency, disease prevalence and penetrance estimates, and inheritance mode, an automated score was calculated to assess if this variant is too frequent to cause the disease. Based on the score and internal cut-off values, a variant classified as benign is not then subjected to further curation. The score for this variant resulted in a classification of benign for this disease.

Illumina Laboratory Services, Illumina
Classification: Uncertain significance for Early-onset myopathy with fatal cardiomyopathy. Last evaluated: 2018-01-13. Review status: criteria provided, single submitter. Criteria: ICSL Variant Classification Criteria 13 December 2019. Collection method: clinical testing. Allele origin: germline.

Illumina Laboratory Services, Illumina
Classification: Uncertain significance for Dilated cardiomyopathy 1G. Last evaluated: 2018-01-13. Review status: criteria provided, single submitter. Criteria: ICSL Variant Classification Criteria 13 December 2019. Collection method: clinical testing. Allele origin: germline.

Illumina Laboratory Services, Illumina
Classification: Uncertain significance for Autosomal recessive limb-girdle muscular dystrophy type 2J. Last evaluated: 2018-01-13. Review status: criteria provided, single submitter. Criteria: ICSL Variant Classification Criteria 13 December 2019. Collection method: clinical testing. Allele origin: germline.

Illumina Laboratory Services, Illumina
Classification: Benign for Myopathy, myofibrillar, 9, with early respiratory failure. Last evaluated: 2018-01-13. Review status: criteria provided, single submitter. Criteria: ICSL Variant Classification Criteria 13 December 2019. Collection method: clinical testing. Allele origin: germline.
Comment: the same text as in the submission from Illumina Laboratory Services, Illumina above.

GeneDx
Classification: Likely benign. Last evaluated: 2017-11-10. Review status: criteria provided, single submitter. Criteria: GeneDx Variant Classification (06012015). Collection method: clinical testing. Allele origin: germline. Affected: yes.
Comment: This variant is considered likely benign or benign based on one or more of the following criteria: it is a conservative change, it occurs at a poorly conserved position in the protein, it is predicted to be benign by multiple in silico algorithms, and/or has population frequency not consistent with disease.

CHEO Genetics Diagnostic Laboratory, Children's Hospital of Eastern Ontario
Classification: Likely benign for Cardiomyopathy. Last evaluated: 2017-09-26. Review status: criteria provided, single submitter. Criteria: ACMG Guidelines, 2015. Collection method: clinical testing. Allele origin: germline. Study: Canadian Open Genetics Repository.